The following is an entry in ClinVar:

NM_057093.2(CRYBA2):c.30G>C (p.Ala10=)

Gene: CRYBA2 (crystallin beta A2; minus strand). Cytogenetic location: 2q35.
Variant type: single nucleotide variant.
Coding change: c.30G>C on transcript NM_057093.2 (MANE Select); coding-DNA position 30, G replaced by C.
Protein change: p.Ala10=; no amino-acid change (alanine 10 retained).
Molecular consequence: synonymous variant.
Genome position (GRCh38, 1-based): chr2:218,993,147, C>G on the plus strand (G>C on the coding strand, the complement: CRYBA2 is on the minus strand). VCF-style: chr2-218993147-C-G. GRCh37 (hg19) VCF-style: chr2-219857869-C-G.
Other names: c.30G>C, p.Ala10= (NM_057094.2).
Identifiers: ClinVar variation 4981073 (VCV004981073.1).

ClinVar aggregate classification (germline): Likely benign (1 of 4 stars; one submission).

Conditions:
CRYBA2-related disorder. Also called: CRYBA2-related condition.

Submission:

PreventionGenetics, part of Exact Sciences
Classification: Likely benign for CRYBA2-related condition. Last evaluated: 2025-06-30. Review status: criteria provided, single submitter. Criteria: ACMG Guidelines, 2015. Collection method: clinical testing. Allele origin: germline.
Comment: This variant is classified as likely benign based on ACMG/AMP sequence variant interpretation guidelines (Richards et al. 2015 PMID: 25741868, with internal and published modifications).